The following is an entry in ClinVar:

NM_001164508.2(NEB):c.23984T>A (p.Met7995Lys)

Genes: NEB (nebulin; minus strand), RIF1 (replication timing regulatory factor 1; plus strand). Cytogenetic location: 2q23.3.
Variant type: single nucleotide variant.
Coding change: c.23984T>A on transcript NM_001164508.2 (MANE Select); coding-DNA position 23984, T replaced by A.
Protein change: p.Met7995Lys; replaces methionine 7995 with lysine.
Molecular consequence: missense variant. On other transcripts: intron variant (1).
Genome position (GRCh38, 1-based): chr2:151,501,428, A>T on the plus strand (T>A on the coding strand, the complement: NEB is on the minus strand). VCF-style: chr2-151501428-A-T. GRCh37 (hg19) VCF-style: chr2-152357942-A-T.
Other names: c.23984T>A, p.Met7995Lys (NM_001164507.2); c.24089T>A, p.Met8030Lys (NM_001271208.2); c.18825+1365T>A (NM_004543.5); short protein forms M7995K, M8030K.
Identifiers: ClinVar variation 2120088 (VCV002120088.4), dbSNP rs1064796521, ClinGen allele CA348780494.
Genomic context (GRCh38, chr2:151,501,428, plus strand): 5'-TTAAAGAGCTTTCTCCCAAATACCGAGCTAAAGTTTTCTTGATTGAGTTTGACTCGCTCC[A>T]TCTCAGGAGTGACAGGTAGGGGAGTCCCCTTGCTCAAGTTCTCTTTGTACAATATCTGTG-3'
Protein context (NP_001157980.2, residues 7985-8005): KGTPLPVTPE[Met7995Lys]ERVKLNQENF

ClinVar aggregate classification (germline): Uncertain significance. Review status: criteria provided, multiple submitters, no conflicts (2 of 4 stars). 2 submissions from 2 submitters: Uncertain significance (2). Last evaluated 2024-04-30.

Conditions:
Nemaline myopathy 2 (NEM2). Also called: Nemaline myopathy 2, autosomal recessive. Identifiers: MedGen C1850569, MONDO:0009725, OMIM 256030.

Submissions (2):

GeneDx
Classification: Uncertain significance. Last evaluated: 2024-04-30. Review status: criteria provided, single submitter. Criteria: GeneDx Variant Classification Process June 2021. Collection method: clinical testing. Allele origin: germline. Affected: yes.
Comment: Not observed at significant frequency in large population cohorts (gnomAD); In silico analysis indicates that this missense variant does not alter protein structure/function; Has not been previously published as pathogenic or benign to our knowledge

Labcorp Genetics (formerly Invitae), Labcorp
Classification: Uncertain significance for Nemaline myopathy 2. Last evaluated: 2024-02-24. Review status: criteria provided, single submitter. Criteria: Invitae Variant Classification Sherloc (09022015). Collection method: clinical testing. Allele origin: germline.
Comment: This sequence change replaces methionine, which is neutral and non-polar, with lysine, which is basic and polar, at codon 8030 of the NEB protein (p.Met8030Lys). This variant is not present in population databases (gnomAD no frequency). This variant has not been reported in the literature in individuals affected with NEB-related conditions. ClinVar contains an entry for this variant (Variation ID: 2120088). Experimental studies and prediction algorithms are not available or were not evaluated, and the functional significance of this variant is currently unknown. In summary, the available evidence is currently insufficient to determine the role of this variant in disease. Therefore, it has been classified as a Variant of Uncertain Significance.